The following is an entry in ClinVar:

ClinVar aggregate classification (germline): Uncertain significance (1 of 4 stars; one submission).

Conditions:
Dilated cardiomyopathy 1J (CMD1J). Also called: CARDIOMYOPATHY, DILATED, WITH SENSORINEURAL HEARING LOSS, AUTOSOMAL DOMINANT. Identifiers: Orphanet 217622, MedGen C1854368, MONDO:0011541, OMIM 605362.

Submission:

Labcorp Genetics (formerly Invitae), Labcorp
Classification: Uncertain significance for Dilated cardiomyopathy 1J. Last evaluated: 2022-06-14. Review status: criteria provided, single submitter. Criteria: Invitae Variant Classification Sherloc (09022015). Collection method: clinical testing. Allele origin: germline.
Comment: In summary, the available evidence is currently insufficient to determine the role of this variant in disease. Therefore, it has been classified as a Variant of Uncertain Significance. Algorithms developed to predict the effect of missense changes on protein structure and function (SIFT, PolyPhen-2, Align-GVGD) all suggest that this variant is likely to be disruptive. This variant has not been reported in the literature in individuals affected with EYA4-related conditions. This variant is not present in population databases (gnomAD no frequency). This sequence change replaces alanine, which is neutral and non-polar, with serine, which is neutral and polar, at codon 510 of the EYA4 protein (p.Ala510Ser).

NM_004100.5(EYA4):c.1528G>T (p.Ala510Ser)

Genes: EYA4 (EYA transcriptional coactivator and phosphatase 4; plus strand), TARID (TCF21 antisense RNA inducing promoter demethylation; minus strand). Cytogenetic location: 6q23.2.
Variant type: single nucleotide variant.
Coding change: c.1528G>T on transcript NM_004100.5 (MANE Select); coding-DNA position 1528, G replaced by T.
Protein change: p.Ala510Ser; replaces alanine 510 with serine.
Molecular consequence: missense variant.
Genome position (GRCh38, 1-based): chr6:133,515,347, G>T. VCF-style: chr6-133515347-G-T. GRCh37 (hg19) VCF-style: chr6-133836485-G-T.
Other names: c.1366G>T, p.Ala456Ser (NM_001301012.2); c.1546G>T, p.Ala516Ser (NM_001301013.2); c.1459G>T, p.Ala487Ser (NM_001370458.1, NM_172103.4); c.1384G>T, p.Ala462Ser (NM_001370459.1); c.1528G>T, p.Ala510Ser (NM_172105.4); short protein forms A456S, A462S, A516S, A487S, A510S.
Identifiers: ClinVar variation 2006349 (VCV002006349.4), dbSNP rs1799501560, ClinGen allele CA365695368.